The following is an entry in ClinVar:

ClinVar aggregate classification (germline): Uncertain significance (1 of 4 stars; one submission).

Submission:

GeneDx
Classification: Uncertain significance. Last evaluated: 2023-10-17. Review status: criteria provided, single submitter. Criteria: GeneDx Variant Classification Process June 2021. Collection method: clinical testing. Allele origin: germline. Affected: yes.
Comment: Has not been previously published as pathogenic or benign to our knowledge; Not observed at significant frequency in large population cohorts (gnomAD); In silico analysis supports that this missense variant does not alter protein structure/function

NM_002655.3(PLAG1):c.1025C>T (p.Ala342Val)

Genes: PLAG1 (PLAG1 zinc finger; minus strand), LOC126860395 (BRD4-independent group 4 enhancer GRCh37_chr8:57079228-57080427; plus strand). Cytogenetic location: 8q12.1.
Variant type: single nucleotide variant.
Coding change: c.1025C>T on transcript NM_002655.3 (MANE Select); coding-DNA position 1025, C replaced by T.
Protein change: p.Ala342Val; replaces alanine 342 with valine.
Molecular consequence: missense variant.
Genome position (GRCh38, 1-based): chr8:56,166,721, G>A on the plus strand (C>T on the coding strand, the complement: PLAG1 is on the minus strand). VCF-style: chr8-56166721-G-A. GRCh37 (hg19) VCF-style: chr8-57079280-G-A.
Other names: c.1025C>T, p.Ala342Val (NM_001114634.2); c.779C>T, p.Ala260Val (NM_001114635.2); short protein forms A260V, A342V.
Identifiers: ClinVar variation 3366170 (VCV003366170.1).
Genomic context (GRCh38, chr8:56,166,721, plus strand): 5'-TCCATCAGGTAACTCTCAATTTCCCCCTTTAATGGCTGTTCTTTTTCAGGAATAGAAATT[G>A]CATATGAGGTAGAACTGAACGGATATTTGAAAGAAAGGTGGTGAGAGGGATGAACAGTGT-3'
Protein context (NP_002646.2, residues 332-352): FKYPFSSTSY[Ala342Val]ISIPEKEQPL